The following is an entry in ClinVar:

ClinVar aggregate classification (germline): Uncertain significance. Review status: criteria provided, single submitter (1 of 4 stars). 2 submissions from 2 submitters: Uncertain significance (1). 1 of the submissions does not count toward it. Last evaluated 2018-01-13.

Conditions:
F13B-related disorder. Also called: F13B-related condition.
Factor XIII, b subunit, deficiency of. Also called: Factor XIII subunit B deficiency. Identifiers: Orphanet 331, MedGen C2750481, MONDO:0013190, OMIM 613235, HP:0040234.

Allele frequency attached by ClinVar (database versions not stated): gnomAD below 0.00001 and 0.00061; TOPMed 0.00008; gnomAD exomes 0.00105 and 0.00217; ExAC 0.00252; 1000 Genomes Project 30x 0.00375; 1000 Genomes Project 0.00379.
gnomAD v4.1: 1,626 of 1,610,346 alleles (0.1%); highest among the groups gnomAD compares: South Asian, 1.7%; 23 homozygotes.

Submissions (2):

Illumina Laboratory Services, Illumina
Classification: Uncertain significance for Factor XIII, b subunit, deficiency of. Last evaluated: 2018-01-13. Review status: criteria provided, single submitter. Criteria: ICSL Variant Classification Criteria 13 December 2019. Collection method: clinical testing. Allele origin: germline.

PreventionGenetics, part of Exact Sciences
Classification: Likely benign for F13B-related condition. Last evaluated: 2024-07-18. Review status: no assertion criteria provided. Collection method: clinical testing. Allele origin: germline. Not counted in ClinVar's aggregate classification.
Comment: This variant is classified as likely benign based on ACMG/AMP sequence variant interpretation guidelines (Richards et al. 2015 PMID: 25741868, with internal and published modifications).

NM_001994.3(F13B):c.1961C>T (p.Ser654Phe)

Gene: F13B (coagulation factor XIII B chain; minus strand). Cytogenetic location: 1q31.3.
Variant type: single nucleotide variant.
Coding change: c.1961C>T on transcript NM_001994.3 (MANE Select); coding-DNA position 1961, C replaced by T.
Protein change: p.Ser654Phe; replaces serine 654 with phenylalanine.
Molecular consequence: missense variant.
Genome position (GRCh38, 1-based): chr1:197,039,403, G>A on the plus strand (C>T on the coding strand, the complement: F13B is on the minus strand). VCF-style: chr1-197039403-G-A. GRCh37 (hg19) VCF-style: chr1-197008533-G-A.
Other names: short protein forms S654F.
Identifiers: ClinVar variation 294568 (VCV000294568.6), dbSNP rs561359007, ClinGen allele CA1308182.